The following is an entry in ClinVar:

NM_005529.7(HSPG2):c.8158C>A (p.Pro2720Thr)

Gene: HSPG2 (heparan sulfate proteoglycan 2; minus strand). Cytogenetic location: 1p36.12.
Variant type: single nucleotide variant.
Coding change: c.8158C>A on transcript NM_005529.7 (MANE Select); coding-DNA position 8158, C replaced by A.
Protein change: p.Pro2720Thr; replaces proline 2720 with threonine.
Molecular consequence: missense variant.
Genome position (GRCh38, 1-based): chr1:21,847,360, G>T on the plus strand (C>A on the coding strand, the complement: HSPG2 is on the minus strand). VCF-style: chr1-21847360-G-T. GRCh37 (hg19) VCF-style: chr1-22173853-G-T.
Other names: c.8161C>A, p.Pro2721Thr (NM_001291860.2); c.8158C>A (NM_005529.5); short protein forms P2720T, P2721T.
Identifiers: ClinVar variation 1515102 (VCV001515102.5), dbSNP rs781524119, ClinGen allele CA338919677.

ClinVar aggregate classification (germline): Uncertain significance. Review status: criteria provided, multiple submitters, no conflicts (2 of 4 stars). 2 submissions from 2 submitters: Uncertain significance (2). Last evaluated 2022-09-20.

Allele frequency attached by ClinVar (database versions not stated): TOPMed below 0.00001; gnomAD 0.00001.
gnomAD v4.1: 1 of 1,613,892 alleles (0.000062%); highest among the groups gnomAD compares: Admixed American, 0.0017%; no homozygotes.

Submissions (2):

GeneDx
Classification: Uncertain significance. Last evaluated: 2022-09-20. Review status: criteria provided, single submitter. Criteria: GeneDx Variant Classification Process June 2021. Collection method: clinical testing. Allele origin: germline. Affected: yes.
Comment: Not observed at significant frequency in large population cohorts (gnomAD); In silico analysis supports that this missense variant has a deleterious effect on protein structure/function; Has not been previously published as pathogenic or benign to our knowledge

Labcorp Genetics (formerly Invitae), Labcorp
Classification: Uncertain significance. Last evaluated: 2022-08-12. Review status: criteria provided, single submitter. Criteria: Invitae Variant Classification Sherloc (09022015). Collection method: clinical testing. Allele origin: germline.
Comment: This sequence change replaces proline, which is neutral and non-polar, with threonine, which is neutral and polar, at codon 2720 of the HSPG2 protein (p.Pro2720Thr). This variant is not present in population databases (gnomAD no frequency). This variant has not been reported in the literature in individuals affected with HSPG2-related conditions. ClinVar contains an entry for this variant (Variation ID: 1515102). Algorithms developed to predict the effect of missense changes on protein structure and function (SIFT, PolyPhen-2, Align-GVGD) all suggest that this variant is likely to be tolerated. In summary, the available evidence is currently insufficient to determine the role of this variant in disease. Therefore, it has been classified as a Variant of Uncertain Significance.